The following is an entry in ClinVar:

NM_001776.6(ENTPD1):c.920T>A (p.Met307Lys)

Genes: ENTPD1-AS1 (ENTPD1 antisense RNA 1; minus strand), ENTPD1 (ectonucleoside triphosphate diphosphohydrolase 1; plus strand). Cytogenetic location: 10q24.1.
Variant type: single nucleotide variant.
Coding change: c.920T>A on transcript NM_001776.6 (MANE Select); coding-DNA position 920, T replaced by A.
Protein change: p.Met307Lys; replaces methionine 307 with lysine.
Molecular consequence: missense variant. On other transcripts: intron variant (1).
Genome position (GRCh38, 1-based): chr10:95,847,552, T>A. VCF-style: chr10-95847552-T-A. GRCh37 (hg19) VCF-style: chr10-97607309-T-A.
Other names: c.941T>A, p.Met314Lys (NM_001098175.2); c.956T>A, p.Met319Lys (NM_001164178.1, NM_001320916.1); c.596T>A, p.Met199Lys (NM_001164181.1, NM_001312654.1); c.506T>A, p.Met169Lys (NM_001164182.2, NM_001164183.2); c.814-17T>A (NM_001164179.2); short protein forms M199K, M319K, M307K, M314K, M169K.
Identifiers: ClinVar variation 965980 (VCV000965980.13), dbSNP rs373236811, ClinGen allele CA5621501.
Genomic context (GRCh38, chr10:95,847,552, plus strand): 5'-ATAAGAAGGTAGTGAACGTAAGTGACCTTTACAAGACCCCCTGCACCAAGAGATTTGAGA[T>A]GACTCTTCCATTCCAGCAGTTTGAAATCCAGGGTATTGGAAACTATCAACAATGCCATCA-3'
Protein context (NP_001767.3, residues 297-317): YKTPCTKRFE[Met307Lys]TLPFQQFEIQ

ClinVar aggregate classification (germline): Conflicting classifications of pathogenicity. Review status: criteria provided, conflicting classifications (1 of 4 stars). 3 submissions from 3 submitters: Uncertain significance (2); Likely benign (1). Last evaluated 2024-12-11.

Conditions:
Hereditary spastic paraplegia 64. Also called: Spastic paraplegia 64, autosomal recessive; ENTPD1-Related Neurodevelopmental Disorder. Identifiers: Orphanet 401810, MedGen C3810289, MONDO:0014303, OMIM 615683.
Hereditary spastic paraplegia. Also called: Familial spastic paraparesis. Identifiers: Orphanet 685, MedGen C0037773, MONDO:0019064. Disease mechanism: loss of function.
Inborn genetic diseases. Identifiers: MedGen C0950123, MeSH D030342.

Allele frequency attached by ClinVar (database versions not stated): gnomAD 0.00010 and 0.00009; ExAC 0.00011; TOPMed 0.00014; ESP Exome Variant Server 0.00023; gnomAD exomes 0.00046 and 0.00008.
gnomAD v4.1: 665 of 1,614,048 alleles (0.041%); highest among the groups gnomAD compares: Non-Finnish European, 0.055%; 1 homozygote.

Submissions (7):

Ambry Genetics
Classification: Likely benign for Inborn genetic diseases. Last evaluated: 2024-12-11. Review status: criteria provided, single submitter. Criteria: Ambry Variant Classification Scheme 2023. Collection method: clinical testing. Allele origin: germline.

Labcorp Genetics (formerly Invitae), Labcorp
Classification: Uncertain significance for Hereditary spastic paraplegia 64. Last evaluated: 2024-10-03. Review status: criteria provided, single submitter. Criteria: Invitae Variant Classification Sherloc (09022015). Collection method: clinical testing. Allele origin: germline.
Comment: This sequence change replaces methionine, which is neutral and non-polar, with lysine, which is basic and polar, at codon 307 of the ENTPD1 protein (p.Met307Lys). This variant is present in population databases (rs373236811, gnomAD 0.01%). This variant has not been reported in the literature in individuals affected with ENTPD1-related conditions. ClinVar contains an entry for this variant (Variation ID: 965980). An algorithm developed to predict the effect of missense changes on protein structure and function outputs the following: PolyPhen-2: "Benign". The lysine amino acid residue is found in multiple mammalian species, which suggests that this missense change does not adversely affect protein function. In summary, the available evidence is currently insufficient to determine the role of this variant in disease. Therefore, it has been classified as a Variant of Uncertain Significance.

Genome Diagnostics Laboratory, The Hospital for Sick Children
Classification: Uncertain significance for Hereditary spastic paraplegia. Last evaluated: 2016-12-12. Review status: criteria provided, single submitter. Criteria: ACMG Guidelines, 2015. Collection method: clinical testing. Allele origin: germline. Affected: yes.

Dr. Peter K. Rogan Lab, Western University
No classification provided (evidence only). Condition: Lung cancer. Review status: no classification provided. Collection method: in vitro. Allele origin: not applicable. Functional consequence: retained intron. Not counted in ClinVar's aggregate classification.

Dr. Peter K. Rogan Lab, Western University
No classification provided (evidence only). Condition: Familial cancer of breast. Review status: no classification provided. Collection method: in vitro. Allele origin: not applicable. Functional consequence: retained intron. Not counted in ClinVar's aggregate classification.

Dr. Peter K. Rogan Lab, Western University
No classification provided (evidence only). Condition: Colon adenocarcinoma. Review status: no classification provided. Collection method: in vitro. Allele origin: not applicable. Functional consequence: retained intron. Not counted in ClinVar's aggregate classification.

Dr. Peter K. Rogan Lab, Western University
No classification provided (evidence only). Condition: Gastric cancer. Review status: no classification provided. Collection method: in vitro. Allele origin: not applicable. Functional consequence: retained intron. Not counted in ClinVar's aggregate classification.